The following is an entry in ClinVar:

ClinVar aggregate classification (germline): Uncertain significance (1 of 4 stars; one submission).

Allele frequency attached by ClinVar (database versions not stated): gnomAD 0.00001; gnomAD exomes 0.00001.
gnomAD v4.1: 15 of 1,611,538 alleles (0.00093%); highest among the groups gnomAD compares: South Asian, 0.0088%; no homozygotes.

Submission:

Labcorp Genetics (formerly Invitae), Labcorp
Classification: Uncertain significance. Last evaluated: 2022-01-07. Review status: criteria provided, single submitter. Criteria: Invitae Variant Classification Sherloc (09022015). Collection method: clinical testing. Allele origin: germline.
Comment: This sequence change replaces histidine, which is basic and polar, with asparagine, which is neutral and polar, at codon 49 of the ADAMTS10 protein (p.His49Asn). The frequency data for this variant in the population databases is considered unreliable, as metrics indicate poor data quality at this position in the gnomAD database. This variant has not been reported in the literature in individuals affected with ADAMTS10-related conditions. Algorithms developed to predict the effect of missense changes on protein structure and function (SIFT, PolyPhen-2, Align-GVGD) all suggest that this variant is likely to be tolerated. In summary, the available evidence is currently insufficient to determine the role of this variant in disease. Therefore, it has been classified as a Variant of Uncertain Significance.

NM_030957.4(ADAMTS10):c.145C>A (p.His49Asn)

Gene: ADAMTS10 (ADAM metallopeptidase with thrombospondin type 1 motif 10; minus strand). Cytogenetic location: 19p13.2.
Variant type: single nucleotide variant.
Coding change: c.145C>A on transcript NM_030957.4 (MANE Select); coding-DNA position 145, C replaced by A.
Protein change: p.His49Asn; replaces histidine 49 with asparagine.
Molecular consequence: missense variant.
Genome position (GRCh38, 1-based): chr19:8,605,302, G>T on the plus strand (C>A on the coding strand, the complement: ADAMTS10 is on the minus strand). VCF-style: chr19-8605302-G-T. GRCh37 (hg19) VCF-style: chr19-8670187-G-T.
Other names: short protein forms H49N.
Identifiers: ClinVar variation 1938257 (VCV001938257.2), dbSNP rs1555742347, ClinGen allele CA403757850.